The following is an entry in ClinVar:

ClinVar aggregate classification (germline): Uncertain significance (1 of 4 stars; one submission).

Conditions:
Inborn genetic diseases. Identifiers: MedGen C0950123, MeSH D030342.

Submission:

Ambry Genetics
Classification: Uncertain significance for Inborn genetic diseases. Last evaluated: 2025-01-05. Review status: criteria provided, single submitter. Criteria: Ambry Variant Classification Scheme 2023. Collection method: clinical testing. Allele origin: germline.
Comment: The p.H407Y variant (also known as c.1219C>T), located in coding exon 12 of the ASXL1 gene, results from a C to T substitution at nucleotide position 1219. The histidine at codon 407 is replaced by tyrosine, an amino acid with similar properties. This amino acid position is conserved. In addition, this alteration is predicted to be tolerated by in silico analysis. Based on the available evidence, the clinical significance of this variant remains unclear.

NM_015338.6(ASXL1):c.1219C>T (p.His407Tyr)

Gene: ASXL1 (ASXL transcriptional regulator 1; plus strand). Cytogenetic location: 20q11.21.
Variant type: single nucleotide variant.
Coding change: c.1219C>T on transcript NM_015338.6 (MANE Select); coding-DNA position 1219, C replaced by T.
Protein change: p.His407Tyr; replaces histidine 407 with tyrosine.
Molecular consequence: missense variant.
Genome position (GRCh38, 1-based): chr20:32,433,417, C>T. VCF-style: chr20-32433417-C-T. GRCh37 (hg19) VCF-style: chr20-31021220-C-T.
Other names: c.1036C>T, p.His346Tyr (NM_001363734.1); short protein forms H346Y, H407Y.
Identifiers: ClinVar variation 3791928 (VCV003791928.1).